The following is an entry in ClinVar:

NM_001370.2(DNAH6):c.6527C>G (p.Ser2176Cys)

Gene: DNAH6 (dynein axonemal heavy chain 6; plus strand). Cytogenetic location: 2p11.2.
Variant type: single nucleotide variant.
Coding change: c.6527C>G on transcript NM_001370.2 (MANE Select); coding-DNA position 6527, C replaced by G.
Protein change: p.Ser2176Cys; replaces serine 2176 with cysteine.
Molecular consequence: missense variant.
Genome position (GRCh38, 1-based): chr2:84,672,399, C>G. VCF-style: chr2-84672399-C-G. GRCh37 (hg19) VCF-style: chr2-84899523-C-G.
Other names: short protein forms S2176C.
Identifiers: ClinVar variation 3036369 (VCV003036369.3), dbSNP rs201284092, ClinGen allele CA1737319.

ClinVar aggregate classification (germline): Uncertain significance. Review status: criteria provided, single submitter (1 of 4 stars). 2 submissions from 2 submitters: Uncertain significance (1). 1 of the submissions does not count toward it. Last evaluated 2025-01-18.

Conditions:
DNAH6-related disorder. Also called: DNAH6-related condition.

Allele frequency attached by ClinVar (database versions not stated): ExAC 0.00005; gnomAD 0.00009.
gnomAD v4.1: 145 of 1,551,646 alleles (0.0093%); highest among the groups gnomAD compares: Admixed American, 0.014%; no homozygotes.

Submissions (2):

Ambry Genetics
Classification: Uncertain significance. Last evaluated: 2025-01-18. Review status: criteria provided, single submitter. Criteria: Ambry Variant Classification Scheme 2023. Collection method: clinical testing. Allele origin: germline.

PreventionGenetics, part of Exact Sciences
Classification: Uncertain significance for DNAH6-related condition. Last evaluated: 2023-10-18. Review status: no assertion criteria provided. Collection method: clinical testing. Allele origin: germline. Not counted in ClinVar's aggregate classification.
Comment: The DNAH6 c.6527C>G variant is predicted to result in the amino acid substitution p.Ser2176Cys. To our knowledge, this variant has not been reported in the literature. This variant is reported in 0.020% of alleles in individuals of Latino descent in gnomAD. At this time, the clinical significance of this variant is uncertain due to the absence of conclusive functional and genetic evidence.